The following is an entry in ClinVar:

NM_001113378.2(FANCI):c.2790T>A (p.Phe930Leu)

Gene: FANCI (FA complementation group I; plus strand). Cytogenetic location: 15q26.1.
Variant type: single nucleotide variant.
Coding change: c.2790T>A on transcript NM_001113378.2 (MANE Select); coding-DNA position 2790, T replaced by A.
Protein change: p.Phe930Leu; replaces phenylalanine 930 with leucine.
Molecular consequence: missense variant.
Genome position (GRCh38, 1-based): chr15:89,299,953, T>A. VCF-style: chr15-89299953-T-A. GRCh37 (hg19) VCF-style: chr15-89843184-T-A.
Other names: c.2511T>A, p.Phe837Leu (NM_001376910.1); c.2790T>A, p.Phe930Leu (NM_001376911.1); c.2610T>A, p.Phe870Leu (NM_018193.3); short protein forms F930L, F837L, F870L.
Identifiers: ClinVar variation 2873354 (VCV002873354.3), dbSNP rs1596316754, ClinGen allele CA393737196.
Genomic context (GRCh38, chr15:89,299,953, plus strand): 5'-GGGTTTACAGAAAATATTCAGTGCTGTGCAACAGTTCTATCAGCCCAAGATTCAGCAGTT[T>A]CTCAGAGCTCTGGGTAAGCATTGCAGTATCAATAAATAGGCTTGATTTAGGTTTCTCCTT-3'
Protein context (NP_001106849.1, residues 920-940): QQFYQPKIQQ[Phe930Leu]LRALDVTDKE

ClinVar aggregate classification (germline): Uncertain significance (1 of 4 stars; one submission).

Conditions:
Fanconi anemia (FA). Also called: Fanconi's anemia. Identifiers: Orphanet 84, MedGen C0015625, MeSH D005199, MONDO:0019391.

Allele frequency attached by ClinVar (database versions not stated): gnomAD exomes below 0.00001.
gnomAD v4.1: 1 of 1,614,018 alleles (0.000062%); highest among the groups gnomAD compares: South Asian, 0.0011%; no homozygotes.

Submission:

Labcorp Genetics (formerly Invitae), Labcorp
Classification: Uncertain significance for Fanconi anemia. Last evaluated: 2023-07-16. Review status: criteria provided, single submitter. Criteria: Invitae Variant Classification Sherloc (09022015). Collection method: clinical testing. Allele origin: germline.
Comment: In summary, the available evidence is currently insufficient to determine the role of this variant in disease. Therefore, it has been classified as a Variant of Uncertain Significance. An algorithm developed to predict the effect of missense changes on protein structure and function (PolyPhen-2) suggests that this variant is likely to be tolerated. This variant has not been reported in the literature in individuals affected with FANCI-related conditions. This variant is not present in population databases (gnomAD no frequency). This sequence change replaces phenylalanine, which is neutral and non-polar, with leucine, which is neutral and non-polar, at codon 930 of the FANCI protein (p.Phe930Leu).